The following is an entry in ClinVar:

ClinVar aggregate classification (germline): Uncertain significance (1 of 4 stars; one submission).

Conditions:
Immunodeficiency 14 (IMD14A). Also called: p110-DELTA-ACTIVATING MUTATION CAUSING SENESCENT T CELLS, LYMPHADENOPATHY, AND IMMUNODEFICIENCY; IMMUNODEFICIENCY 14A WITH LYMPHOPROLIFERATION, AUTOSOMAL DOMINANT; ACTIVATED PI3K-DELTA SYNDROME 1; Activated PI3K Delta Syndrome Type 1 (APDS1). Identifiers: Orphanet 397596, Orphanet 693661, MedGen C5907821, MONDO:0014222, OMIM 615513.

Allele frequency attached by ClinVar (database versions not stated): gnomAD exomes below 0.00001.
gnomAD v4.1: 2 of 1,339,326 alleles (0.00015%); highest among the groups gnomAD compares: African/African-American, 0.0034%; no homozygotes.

Submission:

Labcorp Genetics (formerly Invitae), Labcorp
Classification: Uncertain significance for Activated PI3K-delta syndrome. Last evaluated: 2023-03-27. Review status: criteria provided, single submitter. Criteria: Invitae Variant Classification Sherloc (09022015). Collection method: clinical testing. Allele origin: germline.
Comment: This sequence change replaces glutamic acid, which is acidic and polar, with glycine, which is neutral and non-polar, at codon 493 of the PIK3CD protein (p.Glu493Gly). In summary, the available evidence is currently insufficient to determine the role of this variant in disease. Therefore, it has been classified as a Variant of Uncertain Significance. Advanced modeling of protein sequence and biophysical properties (such as structural, functional, and spatial information, amino acid conservation, physicochemical variation, residue mobility, and thermodynamic stability) performed at Invitae indicates that this missense variant is not expected to disrupt PIK3CD protein function. This variant has not been reported in the literature in individuals affected with PIK3CD-related conditions. This variant is not present in population databases (gnomAD no frequency).

NM_005026.5(PIK3CD):c.1478A>G (p.Glu493Gly)

Gene: PIK3CD (phosphatidylinositol-4,5-bisphosphate 3-kinase catalytic subunit delta; plus strand). Cytogenetic location: 1p36.22.
Variant type: single nucleotide variant.
Coding change: c.1478A>G on transcript NM_005026.5 (MANE Select); coding-DNA position 1478, A replaced by G.
Protein change: p.Glu493Gly; replaces glutamic acid 493 with glycine.
Molecular consequence: missense variant.
Genome position (GRCh38, 1-based): chr1:9,720,618, A>G. VCF-style: chr1-9720618-A-G. GRCh37 (hg19) VCF-style: chr1-9780676-A-G.
Other names: c.1478A>G, p.Glu493Gly (NM_001350234.2); c.1391A>G, p.Glu464Gly (NM_001350235.1); short protein forms E464G, E493G.
Identifiers: ClinVar variation 2847499 (VCV002847499.3), dbSNP rs966409603, ClinGen allele CA338303603.